The following is an entry in ClinVar:

NM_014314.4(RIGI):c.1127A>G (p.Asn376Ser)

Gene: RIGI (RNA sensor RIG-I; minus strand). Cytogenetic location: 9p21.1.
Variant type: single nucleotide variant.
Coding change: c.1127A>G on transcript NM_014314.4 (MANE Select); coding-DNA position 1127, A replaced by G.
Protein change: p.Asn376Ser; replaces asparagine 376 with serine.
Molecular consequence: missense variant.
Genome position (GRCh38, 1-based): chr9:32,488,030, T>C on the plus strand (A>G on the coding strand, the complement: RIGI is on the minus strand). VCF-style: chr9-32488030-T-C. GRCh37 (hg19) VCF-style: chr9-32488028-T-C.
Other names: c.1121A>G, p.Asn374Ser (NM_001385907.1); c.1127A>G, p.Asn376Ser (NM_001385909.1); c.686A>G, p.Asn229Ser (NM_001385910.1); c.518A>G, p.Asn173Ser (NM_001385912.1); c.1112A>G, p.Asn371Ser (NM_001385913.1); c.683A>G, p.Asn228Ser (NM_001385914.1); short protein forms N374S, N228S, N376S, N173S, N229S, N371S.
Identifiers: ClinVar variation 1504956 (VCV001504956.8), dbSNP rs774551466, ClinGen allele CA5019912.

ClinVar aggregate classification (germline): Uncertain significance (1 of 4 stars; one submission).

Allele frequency attached by ClinVar (database versions not stated): gnomAD 0.00001; gnomAD exomes 0.00002 and 0.00009; TOPMed 0.00003; ExAC 0.00011.
gnomAD v4.1: 38 of 1,613,990 alleles (0.0024%); highest among the groups gnomAD compares: South Asian, 0.032%; no homozygotes.

Submission:

Labcorp Genetics (formerly Invitae), Labcorp
Classification: Uncertain significance. Last evaluated: 2025-01-06. Review status: criteria provided, single submitter. Criteria: Invitae Variant Classification Sherloc (09022015). Collection method: clinical testing. Allele origin: germline.
Comment: This sequence change replaces asparagine, which is neutral and polar, with serine, which is neutral and polar, at codon 376 of the DDX58 protein (p.Asn376Ser). This variant is present in population databases (rs774551466, gnomAD 0.06%), and has an allele count higher than expected for a pathogenic variant. This variant has not been reported in the literature in individuals affected with DDX58-related conditions. ClinVar contains an entry for this variant (Variation ID: 1504956). Invitae Evidence Modeling of protein sequence and biophysical properties (such as structural, functional, and spatial information, amino acid conservation, physicochemical variation, residue mobility, and thermodynamic stability) indicates that this missense variant is expected to disrupt DDX58 protein function with a positive predictive value of 80%. In summary, the available evidence is currently insufficient to determine the role of this variant in disease. Therefore, it has been classified as a Variant of Uncertain Significance.